The following is an entry in ClinVar:

ClinVar aggregate classification (germline): Uncertain significance. Review status: criteria provided, multiple submitters, no conflicts (2 of 4 stars). 4 submissions from 3 submitters: Uncertain significance (4). Last evaluated 2024-06-05.

Conditions:
Muscular dystrophy-dystroglycanopathy type B6 (MDDGB6). Also called: MUSCULAR DYSTROPHY-DYSTROGLYCANOPATHY (CONGENITAL WITH IMPAIRED INTELLECTUAL DEVELOPMENT), TYPE B, 6; MUSCULAR DYSTROPHY, CONGENITAL, LARGE-RELATED; MUSCULAR DYSTROPHY, CONGENITAL, TYPE 1D. Identifiers: MedGen C1837229, MONDO:0012138, OMIM 608840.
Muscular dystrophy-dystroglycanopathy (congenital with brain and eye anomalies), type A6. Also called: MUSCULAR DYSTROPHY-DYSTROGLYCANOPATHY (CONGENITAL WITH BRAIN AND EYE ANOMALIES), TYPE A, 6; WALKER-WARBURG SYNDROME OR MUSCLE-EYE-BRAIN DISEASE, LARGE-RELATED. Identifiers: Orphanet 588, Orphanet 899, MedGen C3150414, MONDO:0013158, OMIM 613154.

Allele frequency attached by ClinVar (database versions not stated): gnomAD below 0.00001 and 0.00002; TOPMed 0.00001; 1000 Genomes Project 30x 0.00031; 1000 Genomes Project 0.00040.
gnomAD v4.1: 48 of 1,606,090 alleles (0.003%); highest among the groups gnomAD compares: South Asian, 0.044%; no homozygotes.

Submissions (4):

Revvity Omics, Revvity
Classification: Uncertain significance. Last evaluated: 2024-06-05. Review status: criteria provided, single submitter. Criteria: ACMG Guidelines, 2015. Collection method: clinical testing. Allele origin: germline.

Labcorp Genetics (formerly Invitae), Labcorp
Classification: Uncertain significance for Muscular dystrophy-dystroglycanopathy type B6. Last evaluated: 2024-02-23. Review status: criteria provided, single submitter. Criteria: Invitae Variant Classification Sherloc (09022015). Collection method: clinical testing. Allele origin: germline.
Comment: This sequence change replaces glutamic acid, which is acidic and polar, with glycine, which is neutral and non-polar, at codon 63 of the LARGE1 protein (p.Glu63Gly). This variant is present in population databases (rs539747006, gnomAD 0.03%). This variant has not been reported in the literature in individuals affected with LARGE1-related conditions. ClinVar contains an entry for this variant (Variation ID: 464471). An algorithm developed to predict the effect of missense changes on protein structure and function (PolyPhen-2) suggests that this variant is likely to be tolerated. In summary, the available evidence is currently insufficient to determine the role of this variant in disease. Therefore, it has been classified as a Variant of Uncertain Significance.

Illumina Laboratory Services, Illumina
Classification: Uncertain significance for Muscular dystrophy-dystroglycanopathy (congenital with brain and eye anomalies), type A6. Last evaluated: 2018-01-12. Review status: criteria provided, single submitter. Criteria: ICSL Variant Classification Criteria 13 December 2019. Collection method: clinical testing. Allele origin: germline.

Illumina Laboratory Services, Illumina
Classification: Uncertain significance for Muscular dystrophy-dystroglycanopathy type B6. Last evaluated: 2018-01-12. Review status: criteria provided, single submitter. Criteria: ICSL Variant Classification Criteria 13 December 2019. Collection method: clinical testing. Allele origin: germline.

NM_133642.5(LARGE1):c.188A>G (p.Glu63Gly)

Gene: LARGE1 (LARGE xylosyl- and glucuronyltransferase 1; minus strand). Cytogenetic location: 22q12.3.
Variant type: single nucleotide variant.
Coding change: c.188A>G on transcript NM_133642.5 (MANE Select); coding-DNA position 188, A replaced by G.
Protein change: p.Glu63Gly; replaces glutamic acid 63 with glycine.
Molecular consequence: missense variant.
Genome position (GRCh38, 1-based): chr22:33,650,587, T>C on the plus strand (A>G on the coding strand, the complement: LARGE1 is on the minus strand). VCF-style: chr22-33650587-T-C. GRCh37 (hg19) VCF-style: chr22-34046573-T-C.
Other names: c.188A>G, p.Glu63Gly (NM_001362949.2, NM_001362951.2, NM_001362953.2 and 7 more transcripts); c.188A>G (NM_004737.6); short protein forms E63G.
Identifiers: ClinVar variation 464471 (VCV000464471.12), dbSNP rs539747006, ClinGen allele CA10203126.